The following is an entry in ClinVar:

ClinVar aggregate classification (germline): Uncertain significance (1 of 4 stars; one submission).

Submission:

Ambry Genetics
Classification: Uncertain significance. Last evaluated: 2025-01-10. Review status: criteria provided, single submitter. Criteria: Ambry Variant Classification Scheme 2023. Collection method: clinical testing. Allele origin: germline.
Comment: The p.G1418E variant (also known as c.4253G>A), located in coding exon 19 of the WNK2 gene, results from a G to A substitution at nucleotide position 4253. The glycine at codon 1418 is replaced by glutamic acid, an amino acid with similar properties. This amino acid position is conserved. In addition, this alteration is predicted to be tolerated by in silico analysis. Based on the available evidence, the clinical significance of this variant remains unclear.

NM_006648.4(WNK2):c.4253G>A (p.Gly1418Glu)

Gene: WNK2 (WNK lysine deficient protein kinase 2; plus strand). Cytogenetic location: 9q22.31.
Variant type: single nucleotide variant.
Coding change: c.4253G>A on transcript NM_006648.4 (MANE Select); coding-DNA position 4253, G replaced by A.
Protein change: p.Gly1418Glu; replaces glycine 1418 with glutamic acid.
Molecular consequence: missense variant.
Genome position (GRCh38, 1-based): chr9:93,289,007, G>A. VCF-style: chr9-93289007-G-A. GRCh37 (hg19) VCF-style: chr9-96051289-G-A.
Other names: c.4364G>A, p.Gly1455Glu (NM_001282394.3); short protein forms G1418E, G1455E.
Identifiers: ClinVar variation 3816796 (VCV003816796.1).